The following is an entry in ClinVar:

ClinVar aggregate classification (germline): Likely benign. Review status: criteria provided, multiple submitters, no conflicts (2 of 4 stars). 2 submissions from 2 submitters: Likely benign (2). Last evaluated 2024-05-18.

Allele frequency attached by ClinVar (database versions not stated): ExAC 0.00001; ESP Exome Variant Server 0.00008.

Submissions (2):

Labcorp Genetics (formerly Invitae), Labcorp
Classification: Likely benign. Last evaluated: 2024-05-18. Review status: criteria provided, single submitter. Criteria: Invitae Variant Classification Sherloc (09022015). Collection method: clinical testing. Allele origin: germline.

CeGaT Center for Human Genetics Tuebingen
Classification: Likely benign. Last evaluated: 2023-07-01. Review status: criteria provided, single submitter. Criteria: CeGaT Center For Human Genetics Tuebingen Variant Classification Criteria Version 2. Collection method: clinical testing. Allele origin: germline. Affected: yes. Observed: 1 variant allele.
Comment: RNF31: BP4, BP7

NM_017999.5(RNF31):c.729G>A (p.Leu243=)

Gene: RNF31 (ring finger protein 31; plus strand). Cytogenetic location: 14q12.
Variant type: single nucleotide variant.
Coding change: c.729G>A on transcript NM_017999.5 (MANE Select); coding-DNA position 729, G replaced by A.
Protein change: p.Leu243=; no amino-acid change (leucine 243 retained).
Molecular consequence: synonymous variant.
Genome position (GRCh38, 1-based): chr14:24,149,503, G>A. VCF-style: chr14-24149503-G-A. GRCh37 (hg19) VCF-style: chr14-24618712-G-A.
Other names: c.276G>A, p.Leu92= (NM_001310332.2).
Identifiers: ClinVar variation 2644130 (VCV002644130.25), dbSNP rs372020305, ClinGen allele CA7125602.